The following is an entry in ClinVar:

ClinVar aggregate classification (germline): Uncertain significance (1 of 4 stars; one submission).

Conditions:
Dystonic disorder. Also called: Dystonia. Identifiers: MedGen C0013421, MONDO:0003441, HP:0001332.

Submission:

Labcorp Genetics (formerly Invitae), Labcorp
Classification: Uncertain significance for Dystonic disorder. Last evaluated: 2025-12-01. Review status: criteria provided, single submitter. Criteria: Invitae Variant Classification Sherloc (09022015). Collection method: clinical testing. Allele origin: germline.
Comment: This sequence change replaces tryptophan, which is neutral and slightly polar, with cysteine, which is neutral and slightly polar, at codon 141 of the GNAL protein (p.Trp141Cys). This variant is not present in population databases (gnomAD no frequency). This variant has not been reported in the literature in individuals affected with GNAL-related conditions. Invitae Evidence Modeling of protein sequence and biophysical properties (such as structural, functional, and spatial information, amino acid conservation, physicochemical variation, residue mobility, and thermodynamic stability) indicates that this missense variant is expected to disrupt GNAL protein function with a positive predictive value of 80%. In summary, the available evidence is currently insufficient to determine the role of this variant in disease. Therefore, it has been classified as a Variant of Uncertain Significance.

NM_182978.4(GNAL):c.654G>T (p.Trp218Cys)

Gene: GNAL (G protein subunit alpha L; plus strand). Cytogenetic location: 18p11.21.
Variant type: single nucleotide variant.
Coding change: c.654G>T on transcript NM_182978.4 (MANE Select); coding-DNA position 654, G replaced by T.
Protein change: p.Trp218Cys; replaces tryptophan 218 with cysteine.
Molecular consequence: missense variant.
Genome position (GRCh38, 1-based): chr18:11,824,947, G>T. VCF-style: chr18-11824947-G-T. GRCh37 (hg19) VCF-style: chr18-11824946-G-T.
Other names: c.423G>T, p.Trp141Cys (NM_001142339.3, NM_001261443.2, NM_001369387.1); short protein forms W141C, W218C.
Identifiers: ClinVar variation 4741889 (VCV004741889.1).